The following is an entry in ClinVar:

NM_001378609.3(OTOGL):c.6763G>A (p.Glu2255Lys)

Gene: OTOGL (otogelin like; plus strand). Cytogenetic location: 12q21.31.
Variant type: single nucleotide variant.
Coding change: c.6763G>A on transcript NM_001378609.3 (MANE Select); coding-DNA position 6763, G replaced by A.
Protein change: p.Glu2255Lys; replaces glutamic acid 2255 with lysine.
Molecular consequence: missense variant.
Genome position (GRCh38, 1-based): chr12:80,372,046, G>A. VCF-style: chr12-80372046-G-A. GRCh37 (hg19) VCF-style: chr12-80765826-G-A.
Other names: c.6628G>A, p.Glu2210Lys (NM_001368062.3); c.6763G>A, p.Glu2255Lys (NM_001378610.3, NM_173591.7); short protein forms E2255K, E2210K.
Identifiers: ClinVar variation 2159112 (VCV002159112.4), dbSNP rs762851871, ClinGen allele CA6702141.

ClinVar aggregate classification (germline): Uncertain significance (1 of 4 stars; one submission).

Allele frequency attached by ClinVar (database versions not stated): gnomAD exomes below 0.00001; TOPMed 0.00001; ExAC 0.00002.
gnomAD v4.1: 2 of 1,554,856 alleles (0.00013%); highest among the groups gnomAD compares: Admixed American, 0.0038%; no homozygotes.

Submission:

Labcorp Genetics (formerly Invitae), Labcorp
Classification: Uncertain significance. Last evaluated: 2022-06-15. Review status: criteria provided, single submitter. Criteria: Invitae Variant Classification Sherloc (09022015). Collection method: clinical testing. Allele origin: germline.
Comment: Algorithms developed to predict the effect of missense changes on protein structure and function are either unavailable or do not agree on the potential impact of this missense change (SIFT: "Deleterious"; PolyPhen-2: "Benign"; Align-GVGD: "Class C0"). In summary, the available evidence is currently insufficient to determine the role of this variant in disease. Therefore, it has been classified as a Variant of Uncertain Significance. This sequence change replaces glutamic acid, which is acidic and polar, with lysine, which is basic and polar, at codon 2246 of the OTOGL protein (p.Glu2246Lys). The frequency data for this variant in the population databases is considered unreliable, as metrics indicate poor data quality at this position in the gnomAD database. This variant has not been reported in the literature in individuals affected with OTOGL-related conditions.